The following is an entry in ClinVar:

ClinVar aggregate classification (germline): Likely pathogenic (1 of 4 stars; one submission).

Conditions:
RPE65-related recessive retinopathy. Also called: Recessive RPE65 retinopathy. Identifiers: MedGen CN305526, MONDO:0100368.

Submission:

Myriad Genetics, Inc.
Classification: Likely pathogenic for RPE65-related recessive retinopathy. Last evaluated: 2026-05-19. Review status: criteria provided, single submitter. Criteria: Myriad Autosomal Dominant, Autosomal Recessive and X-Linked Classification Criteria (2023). Collection method: clinical testing. Allele origin: unknown.
Comment: NM_000329.2(RPE65):c.1450+1G>C is a variant in a canonical splice site classified as likely pathogenic in the context of inherited retinal dystrophy, RPE65-related. c.1450+1G>C has not been observed in cases with relevant disease. Relevant functional assessments of this variant are not available in the literature. c.1450+1G>C has not been observed in referenced population frequency databases. In summary, NM_000329.2(RPE65):c.1450+1G>C is a variant in a canonical splice site in a gene where loss of function is a known mechanism of disease and is predicted to disrupt protein function. Please note: this variant was assessed in the context of healthy population screening.

NM_000329.3(RPE65):c.1450+1G>C

Gene: RPE65 (retinoid isomerohydrolase RPE65; minus strand). Cytogenetic location: 1p31.3.
Variant type: single nucleotide variant.
Coding change: c.1450+1G>C on transcript NM_000329.3 (MANE Select); the canonical splice donor site of the intron after coding-DNA position 1450, G replaced by C.
Molecular consequence: splice donor variant.
Genome position (GRCh38, 1-based): chr1:68,431,064, C>G on the plus strand (G>C on the coding strand, the complement: RPE65 is on the minus strand). VCF-style: chr1-68431064-C-G. GRCh37 (hg19) VCF-style: chr1-68896747-C-G.
Other names: c.1174+1G>C (NM_001406857.1, NM_001406856.1); c.1342+1G>C (NM_001406853.1).
Identifiers: ClinVar variation 5004688 (VCV005004688.1).
Genomic context (GRCh38, chr1:68,431,064, plus strand): 5'-CGAACTAACATACAGAACTGCAGTAAGAAGAGTATTCAGACACAACAATTGCTTTCATTA[C>G]CATCATCTTCTTCCAAGGCATCTGGGTGAGAAACAAAGATGGGTTCTGATGGGTATGAAT-3'